The following is an entry in ClinVar:

ClinVar aggregate classification (germline): Likely benign. Review status: criteria provided, single submitter (1 of 4 stars). 2 submissions from 2 submitters: Likely benign (1). 1 of the submissions does not count toward it. Last evaluated 2022-03-23.

Conditions:
COL2A1-related disorder. Also called: COL2A1-related condition; COL2A1-related disorders.

gnomAD v4.1: 2 of 1,612,290 alleles (0.00012%); highest among the groups gnomAD compares: Non-Finnish European, 0.00017%; no homozygotes.

Submissions (2):

Labcorp Genetics (formerly Invitae), Labcorp
Classification: Likely benign. Last evaluated: 2022-03-23. Review status: criteria provided, single submitter. Criteria: Invitae Variant Classification Sherloc (09022015). Collection method: clinical testing. Allele origin: germline.

PreventionGenetics, part of Exact Sciences
Classification: Likely benign for COL2A1-related condition. Last evaluated: 2021-04-13. Review status: no assertion criteria provided. Collection method: clinical testing. Allele origin: germline. Not counted in ClinVar's aggregate classification.
Comment: This variant is classified as likely benign based on ACMG/AMP sequence variant interpretation guidelines (Richards et al. 2015 PMID: 25741868, with internal and published modifications).

NM_001844.5(COL2A1):c.3504C>A (p.Pro1168=)

Gene: COL2A1 (collagen type II alpha 1 chain; minus strand). Cytogenetic location: 12q13.11.
Variant type: single nucleotide variant.
Coding change: c.3504C>A on transcript NM_001844.5 (MANE Select); coding-DNA position 3504, C replaced by A.
Protein change: p.Pro1168=; no amino-acid change (proline 1168 retained).
Molecular consequence: synonymous variant.
Genome position (GRCh38, 1-based): chr12:47,976,056, G>T on the plus strand (C>A on the coding strand, the complement: COL2A1 is on the minus strand). VCF-style: chr12-47976056-G-T. GRCh37 (hg19) VCF-style: chr12-48369839-G-T.
Other names: c.3504C>A (NM_001844.4); c.3297C>A, p.Pro1099= (NM_033150.3).
Identifiers: ClinVar variation 2116098 (VCV002116098.6), dbSNP rs369451393, ClinGen allele CA479451738.